The following is an entry in ClinVar:

ClinVar aggregate classification (germline): Uncertain significance (1 of 4 stars; one submission).

gnomAD v4.1: 45 of 1,612,228 alleles (0.0028%); highest among the groups gnomAD compares: Non-Finnish European, 0.0035%; no homozygotes.

Submission:

Labcorp Genetics (formerly Invitae), Labcorp
Classification: Uncertain significance. Last evaluated: 2024-09-29. Review status: criteria provided, single submitter. Criteria: Invitae Variant Classification Sherloc (09022015). Collection method: clinical testing. Allele origin: germline.
Comment: This sequence change replaces valine, which is neutral and non-polar, with methionine, which is neutral and non-polar, at codon 682 of the KANK2 protein (p.Val682Met). This variant is present in population databases (rs140017516, gnomAD 0.004%). This variant has not been reported in the literature in individuals affected with KANK2-related conditions. An algorithm developed to predict the effect of missense changes on protein structure and function (PolyPhen-2) suggests that this variant is likely to be disruptive. In summary, the available evidence is currently insufficient to determine the role of this variant in disease. Therefore, it has been classified as a Variant of Uncertain Significance.

NM_001136191.3(KANK2):c.2044G>A (p.Val682Met)

Gene: KANK2 (KN motif and ankyrin repeat domains 2; minus strand). Cytogenetic location: 19p13.2.
Variant type: single nucleotide variant.
Coding change: c.2044G>A on transcript NM_001136191.3 (MANE Select); coding-DNA position 2044, G replaced by A.
Protein change: p.Val682Met; replaces valine 682 with methionine.
Molecular consequence: missense variant.
Genome position (GRCh38, 1-based): chr19:11,174,497, C>T on the plus strand (G>A on the coding strand, the complement: KANK2 is on the minus strand). VCF-style: chr19-11174497-C-T. GRCh37 (hg19) VCF-style: chr19-11285173-C-T.
Other names: c.2044G>A, p.Val682Met (NM_001379555.1, NM_001379556.1, NM_001379557.1 and 7 more transcripts); c.2068G>A, p.Val690Met (NM_015493.7, NM_001379548.1, NM_001379549.1 and 5 more transcripts); short protein forms V682M, V690M.
Identifiers: ClinVar variation 3607843 (VCV003607843.2).